The following is an entry in ClinVar:

ClinVar aggregate classification (germline): Uncertain significance (1 of 4 stars; one submission).

Allele frequency attached by ClinVar (database versions not stated): TOPMed below 0.00001.
gnomAD v4.1: 1 of 1,612,748 alleles (0.000062%); no homozygotes.

Submission:

Labcorp Genetics (formerly Invitae), Labcorp
Classification: Uncertain significance. Last evaluated: 2021-12-18. Review status: criteria provided, single submitter. Criteria: Invitae Variant Classification Sherloc (09022015). Collection method: clinical testing. Allele origin: germline.
Comment: In summary, the available evidence is currently insufficient to determine the role of this variant in disease. Therefore, it has been classified as a Variant of Uncertain Significance. Algorithms developed to predict the effect of missense changes on protein structure and function output the following: SIFT: "Tolerated"; PolyPhen-2: "Benign"; Align-GVGD: "Class C0". The glutamic acid amino acid residue is found in multiple mammalian species, which suggests that this missense change does not adversely affect protein function. This variant has not been reported in the literature in individuals affected with NCSTN-related conditions. This variant is not present in population databases (gnomAD no frequency). This sequence change replaces glycine, which is neutral and non-polar, with glutamic acid, which is acidic and polar, at codon 9 of the NCSTN protein (p.Gly9Glu).

NM_015331.3(NCSTN):c.26G>A (p.Gly9Glu)

Gene: NCSTN (nicastrin; plus strand). Cytogenetic location: 1q23.2.
Variant type: single nucleotide variant.
Coding change: c.26G>A on transcript NM_015331.3 (MANE Select); coding-DNA position 26, G replaced by A.
Protein change: p.Gly9Glu; replaces glycine 9 with glutamic acid.
Molecular consequence: missense variant. On other transcripts: 5 prime UTR variant (1).
Genome position (GRCh38, 1-based): chr1:160,343,422, G>A. VCF-style: chr1-160343422-G-A. GRCh37 (hg19) VCF-style: chr1-160313212-G-A.
Other names: c.-174G>A (NM_001290184.2); c.26G>A, p.Gly9Glu (NM_001290186.2, NM_001349729.2); short protein forms G9E.
Identifiers: ClinVar variation 2081111 (VCV002081111.4), dbSNP rs1041921165, ClinGen allele CA343274365.